The following is an entry in ClinVar:

NM_001394998.1(TANC2):c.6053T>C (p.Leu2018Pro)

Gene: TANC2 (tetratricopeptide repeat, ankyrin repeat and coiled-coil containing 2; plus strand). Cytogenetic location: 17q23.3.
Variant type: single nucleotide variant.
Coding change: c.6053T>C on transcript NM_001394998.1 (MANE Select); coding-DNA position 6053, T replaced by C.
Protein change: p.Leu2018Pro; replaces leucine 2018 with proline.
Molecular consequence: missense variant.
Genome position (GRCh38, 1-based): chr17:63,421,783, T>C. VCF-style: chr17-63421783-T-C. GRCh37 (hg19) VCF-style: chr17-61499144-T-C.
Other names: c.5831T>C, p.Leu1944Pro (NM_001411076.1); c.5801T>C, p.Leu1934Pro (NM_025185.4); short protein forms L1934P, L1944P, L2018P.
Identifiers: ClinVar variation 3062064 (VCV003062064.1), dbSNP rs764622235, ClinGen allele CA8698556.

ClinVar aggregate classification (germline): Uncertain significance (1 of 4 stars; one submission).

Conditions:
Intellectual developmental disorder with autistic features and language delay, with or without seizures. Identifiers: MedGen C5394447, MONDO:0030051, OMIM 618906.

Allele frequency attached by ClinVar (database versions not stated): gnomAD exomes below 0.00001; ExAC 0.00002.
gnomAD v4.1: 2 of 1,614,026 alleles (0.00012%); highest among the groups gnomAD compares: South Asian, 0.0022%; no homozygotes.

Submission:

Illumina Laboratory Services, Illumina
Classification: Uncertain significance for Intellectual developmental disorder with autistic features and language delay, with or without seizures. Last evaluated: 2020-10-27. Review status: criteria provided, single submitter. Criteria: ICSLVariantClassificationCriteria RUGD 01 April 2020. Collection method: clinical testing. Allele origin: unknown.
Comment: The TANC2 c.5801T>C p.Leu1934Pro) variant is a missense variant. A literature search was performed for the gene, cDNA change, and amino acid. No publications were found based on this search. This variant is reported at a frequency of 0.000033 in the South Asian population of the Genome Aggregation Database though this is based on one allele in a region of good sequence coverage so the variant is presumed to be rare. Based on the limited evidence, the c.5801T>C p.(Leu1934Pro) variant is classified as a variant of uncertain significance for intellectual developmental disorder with autistic features and language delay, with or without seizures.